The following is an entry in ClinVar:

NM_016169.4(SUFU):c.753_756+2dup

Gene: SUFU (SUFU negative regulator of hedgehog signaling; plus strand). Cytogenetic location: 10q24.32.
Variant type: Duplication.
Coding change: c.753_756+2dup on transcript NM_016169.4 (MANE Select); coding-DNA position 753 through the canonical splice donor site of the intron after coding-DNA position 756, 6 bases duplicated (GCAAGT; older notation c.753_756+2dupGCAAGT).
Molecular consequence: splice donor variant.
Genome position (GRCh38, 1-based): chr10:102,594,062-102,594,067, GCAAGT duplicated; duplicating any 6 consecutive bases within chr10:102,594,061-102,594,067 gives the same sequence; the c. name uses the placement nearest the transcript's 3' end. VCF-style (leftmost placement, unchanged base first): chr10-102594060-C-CTGCAAG. GRCh37 (hg19) VCF-style: chr10-104353817-C-CTGCAAG.
Other names: c.753_756+2dup (NM_001178133.2).
Identifiers: ClinVar variation 967005 (VCV000967005.8), dbSNP rs2063435496, ClinGen allele CA1139661676.

ClinVar aggregate classification (germline): Uncertain significance (1 of 4 stars; one submission).

Conditions:
Medulloblastoma (MDB). Also called: Medulloblastoma, somatic; MEDULLOBLASTOMA PREDISPOSITION SYNDROME. Identifiers: Orphanet 616, MedGen C0025149, MeSH D008527, MONDO:0007959, OMIM 155255, HP:0002885.
Gorlin syndrome. Also called: Nevoid Basal Cell Carcinoma Syndrome; Basal cell nevus syndrome. Identifiers: Orphanet 377, MedGen C0004779, MONDO:0007187.

Submission:

Labcorp Genetics (formerly Invitae), Labcorp
Classification: Uncertain significance for Gorlin syndrome; Medulloblastoma. Last evaluated: 2019-09-20. Review status: criteria provided, single submitter. Criteria: Invitae Variant Classification Sherloc (09022015). Collection method: clinical testing. Allele origin: germline.
Comment: This sequence change falls in intron 6 of the SUFU gene. It does not directly change the encoded amino acid sequence of the SUFU protein, but it affects a nucleotide within the consensus splice site of the intron. In summary, the available evidence is currently insufficient to determine the role of this variant in disease. Therefore, it has been classified as a Variant of Uncertain Significance. Nucleotide substitutions within the consensus splice site are a relatively common cause of aberrant splicing (PMID: 17576681, 9536098). Algorithms developed to predict the effect of sequence changes on RNA splicing suggest that this variant may disrupt the consensus splice site, but this prediction has not been confirmed by published transcriptional studies. This variant has not been reported in the literature in individuals with SUFU-related conditions. This variant is not present in population databases (ExAC no frequency).

Literature cited by the submitters: PubMed 17576681; PubMed 9536098.